The following is an entry in ClinVar:

NM_002519.3(NPAT):c.2282C>G (p.Ser761Cys)

Gene: NPAT (nuclear protein, coactivator of histone transcription; minus strand). Cytogenetic location: 11q22.3.
Variant type: single nucleotide variant.
Coding change: c.2282C>G on transcript NM_002519.3 (MANE Select); coding-DNA position 2282, C replaced by G.
Protein change: p.Ser761Cys; replaces serine 761 with cysteine.
Molecular consequence: missense variant.
Genome position (GRCh38, 1-based): chr11:108,172,702, G>C on the plus strand (C>G on the coding strand, the complement: NPAT is on the minus strand). VCF-style: chr11-108172702-G-C. GRCh37 (hg19) VCF-style: chr11-108043429-G-C.
Other names: c.2282C>G, p.Ser761Cys (NM_001321307.1); short protein forms S761C.
Identifiers: ClinVar variation 1925807 (VCV001925807.5), dbSNP rs754130493, ClinGen allele CA6263842.
Genomic context (GRCh38, chr11:108,172,702, plus strand): 5'-GTAGGTGATTTAGTAGGAGAAGACAAGATTATAGTTGGCAGGTTTTCTCCATTAATACTA[G>C]AAACAGCACTGGTAAGTTCAGTATCTGAGGAAACAAATGGATCATCACTAATGATAACTT-3'
Protein context (NP_002510.2, residues 751-771): SSDTELTSAV[Ser761Cys]SINGENLPTI

ClinVar aggregate classification (germline): Uncertain significance (1 of 4 stars; one submission).

Allele frequency attached by ClinVar (database versions not stated): gnomAD exomes below 0.00001; ExAC 0.00002.
gnomAD v4.1: 3 of 1,613,748 alleles (0.00019%); highest among the groups gnomAD compares: Non-Finnish European, 0.00025%; no homozygotes.

Submission:

Labcorp Genetics (formerly Invitae), Labcorp
Classification: Uncertain significance. Last evaluated: 2022-07-06. Review status: criteria provided, single submitter. Criteria: Invitae Variant Classification Sherloc (09022015). Collection method: clinical testing. Allele origin: germline.
Comment: This variant has not been reported in the literature in individuals affected with NPAT-related conditions. In summary, the available evidence is currently insufficient to determine the role of this variant in disease. Therefore, it has been classified as a Variant of Uncertain Significance. Algorithms developed to predict the effect of missense changes on protein structure and function are either unavailable or do not agree on the potential impact of this missense change (SIFT: "Deleterious"; PolyPhen-2: "Probably Damaging"; Align-GVGD: "Class C0"). This variant is present in population databases (rs754130493, gnomAD 0.002%). This sequence change replaces serine, which is neutral and polar, with cysteine, which is neutral and slightly polar, at codon 761 of the NPAT protein (p.Ser761Cys).